The following is an entry in ClinVar:

ClinVar aggregate classification (germline): Uncertain significance. Review status: criteria provided, multiple submitters, no conflicts (2 of 4 stars). 3 submissions from 3 submitters: Uncertain significance (3). Last evaluated 2026-05-18.

Conditions:
B9D1-related disorder. Also called: B9D1-related disorders; B9D1-related condition.
Inborn genetic diseases. Identifiers: MedGen C0950123, MeSH D030342.
Meckel-Gruber syndrome. Also called: DYSENCEPHALIA SPLANCHNOCYSTICA; GRUBER SYNDROME; Dysencephalia splachnocystica. Identifiers: Orphanet 564, MedGen C0265215, MONDO:0018921.
Joubert syndrome. Also called: JOUBERT-BOLTSHAUSER SYNDROME; Familial aplasia of the vermis. Identifiers: Orphanet 475, MedGen C5979921, MONDO:0018772.

Allele frequency attached by ClinVar (database versions not stated): gnomAD 0.00006; ExAC 0.00008; ESP Exome Variant Server 0.00008; TOPMed 0.00008; gnomAD exomes 0.00012.

Submissions (3):

PreventionGenetics, part of Exact Sciences
Classification: Uncertain significance for B9D1-related condition. Last evaluated: 2026-05-18. Review status: criteria provided, single submitter. Criteria: ACMG Guidelines, 2015. Collection method: clinical testing. Allele origin: germline.
Comment: The B9D1 c.131C>T variant is predicted to result in the amino acid substitution p.Ala44Val. To our knowledge, this variant has not been reported in the literature. This variant is reported in 0.056% of alleles in individuals of Latino descent in gnomAD. Although we suspect that this variant may be benign, at this time, the clinical significance of this variant is uncertain due to the absence of conclusive functional and genetic evidence.

Ambry Genetics
Classification: Uncertain significance for Inborn genetic diseases. Last evaluated: 2025-12-09. Review status: criteria provided, single submitter. Criteria: Ambry Variant Classification Scheme 2023. Collection method: clinical testing. Allele origin: germline.

Labcorp Genetics (formerly Invitae), Labcorp
Classification: Uncertain significance for Joubert syndrome; Meckel-Gruber syndrome. Last evaluated: 2022-06-27. Review status: criteria provided, single submitter. Criteria: Invitae Variant Classification Sherloc (09022015). Collection method: clinical testing. Allele origin: germline.
Comment: This sequence change replaces alanine, which is neutral and non-polar, with valine, which is neutral and non-polar, at codon 44 of the B9D1 protein (p.Ala44Val). This variant is present in population databases (rs149845104, gnomAD 0.06%). This variant has not been reported in the literature in individuals affected with B9D1-related conditions. Algorithms developed to predict the effect of missense changes on protein structure and function (SIFT, PolyPhen-2, Align-GVGD) all suggest that this variant is likely to be tolerated. In summary, the available evidence is currently insufficient to determine the role of this variant in disease. Therefore, it has been classified as a Variant of Uncertain Significance.

NM_015681.6(B9D1):c.131C>T (p.Ala44Val)

Gene: B9D1 (B9 domain containing 1; minus strand). Cytogenetic location: 17p11.2.
Variant type: single nucleotide variant.
Coding change: c.131C>T on transcript NM_015681.6 (MANE Select); coding-DNA position 131, C replaced by T.
Protein change: p.Ala44Val; replaces alanine 44 with valine.
Molecular consequence: missense variant. On other transcripts: 5 prime UTR variant (1).
Genome position (GRCh38, 1-based): chr17:19,360,321, G>A on the plus strand (C>T on the coding strand, the complement: B9D1 is on the minus strand). VCF-style: chr17-19360321-G-A. GRCh37 (hg19) VCF-style: chr17-19263634-G-A.
Other names: c.131C>T, p.Ala44Val (NM_001321214.2, NM_001321215.3, NM_001321216.2 and 4 more transcripts); c.-230C>T (NM_001368769.2); c.131C>T (NM_015681.3, NM_015681.4); short protein forms A44V.
Identifiers: ClinVar variation 1411746 (VCV001411746.7), dbSNP rs149845104, ClinGen allele CA8440352.